The following is an entry in ClinVar:

ClinVar aggregate classification (germline): Uncertain significance (1 of 4 stars; one submission).

Submission:

GeneDx
Classification: Uncertain significance. Last evaluated: 2023-11-15. Review status: criteria provided, single submitter. Criteria: GeneDx Variant Classification Process June 2021. Collection method: clinical testing. Allele origin: germline. Affected: yes.
Comment: Has not been previously published as pathogenic or benign to our knowledge; In silico analysis supports that this missense variant has a deleterious effect on protein structure/function; Not observed at significant frequency in large population cohorts (gnomAD)

NM_053025.4(MYLK):c.3989A>C (p.Lys1330Thr)

Gene: MYLK (myosin light chain kinase; minus strand). Cytogenetic location: 3q21.1.
Variant type: single nucleotide variant.
Coding change: c.3989A>C on transcript NM_053025.4 (MANE Select); coding-DNA position 3989, A replaced by C.
Protein change: p.Lys1330Thr; replaces lysine 1330 with threonine.
Molecular consequence: missense variant.
Genome position (GRCh38, 1-based): chr3:123,657,425, T>G on the plus strand (A>C on the coding strand, the complement: MYLK is on the minus strand). VCF-style: chr3-123657425-T-G. GRCh37 (hg19) VCF-style: chr3-123376272-T-G.
Other names: c.3461A>C, p.Lys1154Thr (NM_001321309.2); c.3782A>C, p.Lys1261Thr (NM_053026.4, NM_053028.4); c.3989A>C, p.Lys1330Thr (NM_053027.4); short protein forms K1154T, K1261T, K1330T.
Identifiers: ClinVar variation 1315767 (VCV001315767.3), dbSNP rs2108274576, ClinGen allele CA354228366.